The following is an entry in ClinVar:

NM_152564.5(VPS13B):c.8346C>G (p.Tyr2782Ter)

Gene: VPS13B (vacuolar protein sorting 13 homolog B; plus strand). Cytogenetic location: 8q22.2.
Variant type: single nucleotide variant.
Coding change: c.8346C>G on transcript NM_152564.5 (MANE Select); coding-DNA position 8346, C replaced by G.
Protein change: p.Tyr2782Ter; replaces tyrosine 2782 with a stop codon.
Molecular consequence: nonsense.
Genome position (GRCh38, 1-based): chr8:99,817,788, C>G. VCF-style: chr8-99817788-C-G. GRCh37 (hg19) VCF-style: chr8-100830016-C-G.
Other names: c.8421C>G, p.Tyr2807Ter (NM_017890.5); short protein forms Y2782*, Y2807*.
Identifiers: ClinVar variation 3029817 (VCV003029817.4), dbSNP rs2492006351, ClinGen allele CA371773447.

ClinVar aggregate classification (germline): Likely pathogenic. Review status: criteria provided, single submitter (1 of 4 stars). 2 submissions from 2 submitters: Likely pathogenic (1). 1 of the submissions does not count toward it. Last evaluated 2025-02-18.

Conditions:
Cohen syndrome (COH1). Also called: Cutis verticis gyrata, retinitis pigmentosa, and sensorineural deafness; PEPPER SYNDROME. Identifiers: Orphanet 193, MedGen C0265223, MONDO:0008999, OMIM 216550.
VPS13B-related disorder. Also called: VPS13B-related condition.

Submissions (2):

Natera, Inc.
Classification: Likely pathogenic for Cohen syndrome. Last evaluated: 2025-02-18. Review status: criteria provided, single submitter. Criteria: Natera Variant Classification Schema (03/2026). Collection method: clinical testing. Allele origin: germline.
Comment: The c.8421C>G variant in VPS13B is a nonsense variant predicted to introduce a stop codon at amino acid 2807. This variant is expected to result in nonsense mediated decay, truncation, or a dysfunctional protein product. This variant is rare in the general population with a frequency below the threshold expected for the associated phenotype(s). Given the available evidence, this variant is classified as Likely Pathogenic.

PreventionGenetics, part of Exact Sciences
Classification: Likely pathogenic for VPS13B-related condition. Last evaluated: 2024-01-05. Review status: no assertion criteria provided. Collection method: clinical testing. Allele origin: germline. Not counted in ClinVar's aggregate classification.
Comment: The VPS13B c.8346C>G variant is predicted to result in premature protein termination (p.Tyr2782*). To our knowledge, this variant has not been reported in the literature or in a large population database, indicating this variant is rare. Nonsense variants in VPS13B are expected to be pathogenic. This variant is interpreted as likely pathogenic.